The following is an entry in ClinVar:

NM_183075.3(CYP2U1):c.491-118T>A

Gene: CYP2U1 (cytochrome P450 family 2 subfamily U member 1; plus strand). Cytogenetic location: 4q25.
Variant type: single nucleotide variant.
Coding change: c.491-118T>A on transcript NM_183075.3 (MANE Select); 118 bases into the intron before coding-DNA position 491, T replaced by A.
Molecular consequence: intron variant.
Genome position (GRCh38, 1-based): chr4:107,944,852, T>A. VCF-style: chr4-107944852-T-A. GRCh37 (hg19) VCF-style: chr4-108866008-T-A.
Identifiers: ClinVar variation 679268 (VCV000679268.2), dbSNP rs13104867, ClinGen allele CA102866845.
Genomic context (GRCh38, chr4:107,944,852, plus strand): 5'-ACTAAATTTTGCCAATCATTCTTCTTGACTAGTGGTCTTTATATATACATATATATATAT[T>A]TATATGAGGAATTTTCCATAAGTGACTTGAAAAATACAGAATGCACTCCGTGGTAGGTCT-3'

ClinVar aggregate classification (germline): Likely benign. Review status: criteria provided, multiple submitters, no conflicts (2 of 4 stars). 2 submissions from 2 submitters: Likely benign (2). Last evaluated 2018-06-14.

Allele frequency attached by ClinVar (database versions not stated): gnomAD 0.00633 and 0.00639; gnomAD exomes 0.01026.
gnomAD v4.1: 834 of 100,450 alleles (0.83%); highest among the groups gnomAD compares: African/African-American, 1.4%; 58 homozygotes.

Submissions (2):

GeneDx
Classification: Likely benign. Last evaluated: 2018-06-14. Review status: criteria provided, single submitter. Criteria: GeneDx Variant Classification (06012015). Collection method: clinical testing. Allele origin: germline. Affected: yes.
Comment: This variant is considered likely benign or benign based on one or more of the following criteria: it is a conservative change, it occurs at a poorly conserved position in the protein, it is predicted to be benign by multiple in silico algorithms, and/or has population frequency not consistent with disease.

Breakthrough Genomics
Classification: Likely benign. Review status: criteria provided, single submitter. Criteria: ACMG Guidelines, 2015. Collection method: not provided. Allele origin: germline. Inheritance: Autosomal recessive inheritance. Affected: yes.